The following is an entry in ClinVar:

NM_022114.4(PRDM16):c.2272C>A (p.Pro758Thr)

Gene: PRDM16 (PR/SET domain 16; plus strand). Cytogenetic location: 1p36.32.
Variant type: single nucleotide variant.
Coding change: c.2272C>A on transcript NM_022114.4 (MANE Select); coding-DNA position 2272, C replaced by A.
Protein change: p.Pro758Thr; replaces proline 758 with threonine.
Molecular consequence: missense variant.
Genome position (GRCh38, 1-based): chr1:3,412,469, C>A. VCF-style: chr1-3412469-C-A. GRCh37 (hg19) VCF-style: chr1-3329033-C-A.
Other names: c.2272C>A, p.Pro758Thr (NM_199454.3); short protein forms P758T.
Identifiers: ClinVar variation 3671647 (VCV003671647.2).
Genomic context (GRCh38, chr1:3,412,469, plus strand): 5'-TACCCCTTCACGGACCGAGCCCTCGCCCACAACTTGCTGGTCAAGGCCGAGCCAAAGTCA[C>A]CCCGGGACGCCCTCAAGGTGGGCGGCCCCAGTGCCGAGTGCCCCTTTGATCTCACCACCA-3'
Protein context (NP_071397.3, residues 748-768): NLLVKAEPKS[Pro758Thr]RDALKVGGPS

ClinVar aggregate classification (germline): Uncertain significance (1 of 4 stars; one submission).

Conditions:
Left ventricular noncompaction 8 (LVNC8). Identifiers: Orphanet 154, Orphanet 54260, MedGen C3809288, MONDO:0014152, OMIM 615373.

Submission:

Labcorp Genetics (formerly Invitae), Labcorp
Classification: Uncertain significance for Left ventricular noncompaction 8. Last evaluated: 2024-11-18. Review status: criteria provided, single submitter. Criteria: Invitae Variant Classification Sherloc (09022015). Collection method: clinical testing. Allele origin: germline.
Comment: This sequence change replaces proline, which is neutral and non-polar, with threonine, which is neutral and polar, at codon 758 of the PRDM16 protein (p.Pro758Thr). This variant is not present in population databases (gnomAD no frequency). This variant has not been reported in the literature in individuals affected with PRDM16-related conditions. An algorithm developed to predict the effect of missense changes on protein structure and function (PolyPhen-2) suggests that this variant is likely to be disruptive. In summary, the available evidence is currently insufficient to determine the role of this variant in disease. Therefore, it has been classified as a Variant of Uncertain Significance.